The following is an entry in ClinVar:

NM_000431.4(MVK):c.718C>T (p.Pro240Ser)

Gene: MVK (mevalonate kinase; plus strand). Cytogenetic location: 12q24.11.
Variant type: single nucleotide variant.
Coding change: c.718C>T on transcript NM_000431.4 (MANE Select); coding-DNA position 718, C replaced by T.
Protein change: p.Pro240Ser; replaces proline 240 with serine.
Molecular consequence: missense variant.
Genome position (GRCh38, 1-based): chr12:109,590,811, C>T. VCF-style: chr12-109590811-C-T. GRCh37 (hg19) VCF-style: chr12-110028616-C-T.
Other names: c.718C>T, p.Pro240Ser (NM_001114185.3); c.562C>T, p.Pro188Ser (NM_001301182.2); short protein forms P188S, P240S.
Identifiers: ClinVar variation 1204237 (VCV001204237.7), dbSNP rs758952837, ClinGen allele CA243459446.

ClinVar aggregate classification (germline): Uncertain significance. Review status: criteria provided, multiple submitters, no conflicts (2 of 4 stars). 4 submissions from 4 submitters: Uncertain significance (4). Last evaluated 2025-05-18.

Conditions:
Mevalonic aciduria (MEVA). Identifiers: Orphanet 29, MedGen C1959626, MONDO:0012481, OMIM 610377.
Hyperimmunoglobulin D with periodic fever (HIDS). Also called: Hyperimmunoglobulinemia D with periodic fever; HYPERIMMUNOGLOBULINEMIA D AND PERIODIC FEVER SYNDROME; Hyperimmunoglobulinemia D. Identifiers: Orphanet 343, MedGen C0398691, MONDO:0009849, OMIM 260920.
Porokeratosis 3, disseminated superficial actinic type (POROK3). Also called: POROKERATOSIS 3, MULTIPLE TYPES; POROKERATOSIS 3, MIBELLI TYPE; POROKERATOSIS, DISSEMINATED SUPERFICIAL ACTINIC, 1. Identifiers: MedGen C1867981, MONDO:0008293, OMIM 175900.
Inborn genetic diseases. Identifiers: MedGen C0950123, MeSH D030342.

gnomAD v4.1: 20 of 1,614,214 alleles (0.0012%); highest among the groups gnomAD compares: Non-Finnish European, 0.0017%; no homozygotes.

Submissions (4):

Labcorp Genetics (formerly Invitae), Labcorp
Classification: Uncertain significance for Mevalonic aciduria; Hyperimmunoglobulin D with periodic fever; Porokeratosis 3, disseminated superficial actinic type. Last evaluated: 2025-05-18. Review status: criteria provided, single submitter. Criteria: Invitae Variant Classification Sherloc (09022015). Collection method: clinical testing. Allele origin: germline.
Comment: This sequence change replaces proline, which is neutral and non-polar, with serine, which is neutral and polar, at codon 240 of the MVK protein (p.Pro240Ser). This variant is present in population databases (no rsID available, gnomAD 0.0009%). This variant has not been reported in the literature in individuals affected with MVK-related conditions. ClinVar contains an entry for this variant (Variation ID: 1204237). An algorithm developed to predict the effect of missense changes on protein structure and function outputs the following: PolyPhen-2: "Benign". The serine amino acid residue is found in multiple mammalian species, which suggests that this missense change does not adversely affect protein function. In summary, the available evidence is currently insufficient to determine the role of this variant in disease. Therefore, it has been classified as a Variant of Uncertain Significance.

Ambry Genetics
Classification: Uncertain significance for Inborn genetic diseases. Last evaluated: 2023-06-13. Review status: criteria provided, single submitter. Criteria: Ambry Variant Classification Scheme 2023. Collection method: clinical testing. Allele origin: germline.

Fulgent Genetics
Classification: Uncertain significance for Porokeratosis 3, disseminated superficial actinic type; Hyperimmunoglobulin D with periodic fever; Mevalonic aciduria. Last evaluated: 2021-10-12. Review status: criteria provided, single submitter. Criteria: ACMG Guidelines, 2015. Collection method: clinical testing. Allele origin: unknown.

GeneDx
Classification: Uncertain significance. Last evaluated: 2019-04-15. Review status: criteria provided, single submitter. Criteria: GeneDx Variant Classification Process June 2021. Collection method: clinical testing. Allele origin: germline. Affected: yes.
Comment: In silico analysis, which includes protein predictors and evolutionary conservation, supports a deleterious effect; Has not been previously published as pathogenic or benign to our knowledge